The following is an entry in ClinVar:

ClinVar aggregate classification (germline): Likely benign. Review status: criteria provided, multiple submitters, no conflicts (2 of 4 stars). 2 submissions from 2 submitters: Likely benign (2). Last evaluated 2024-10-03.

Conditions:
Fanconi anemia complementation group J. Also called: BRIP1-Related Fanconi Anemia. Identifiers: Orphanet 84, MedGen C1836860, MONDO:0012187, OMIM 609054.
Familial cancer of breast. Also called: hereditary breast carcinoma; BREAST CANCER, FAMILIAL; Hereditary breast cancer. Identifiers: Orphanet 227535, MedGen C0346153, MONDO:0016419, OMIM 114480. Disease mechanism: loss of function.

Submissions (2):

Labcorp Genetics (formerly Invitae), Labcorp
Classification: Likely benign for Familial cancer of breast; Fanconi anemia complementation group J. Last evaluated: 2024-10-03. Review status: criteria provided, single submitter. Criteria: Invitae Variant Classification Sherloc (09022015). Collection method: clinical testing. Allele origin: germline.

Myriad Genetics, Inc.
Classification: Likely benign for Familial cancer of breast. Last evaluated: 2024-08-28. Review status: criteria provided, single submitter. Criteria: Myriad Autosomal Dominant, Autosomal Recessive and X-Linked Classification Criteria (2023). Collection method: clinical testing. Allele origin: unknown.
Comment: This variant is considered likely benign. This variant is intronic and is not expected to impact mRNA splicing.

NM_032043.3(BRIP1):c.1473+10T>G

Gene: BRIP1 (BRCA1 interacting DNA helicase 1; minus strand). Cytogenetic location: 17q23.2.
Variant type: single nucleotide variant.
Coding change: c.1473+10T>G on transcript NM_032043.3 (MANE Select); 10 bases into the intron after coding-DNA position 1473, T replaced by G.
Molecular consequence: intron variant.
Genome position (GRCh38, 1-based): chr17:61,793,587, A>C on the plus strand (T>G on the coding strand, the complement: BRIP1 is on the minus strand). VCF-style: chr17-61793587-A-C. GRCh37 (hg19) VCF-style: chr17-59870948-A-C.
Identifiers: ClinVar variation 3378899 (VCV003378899.3).
Genomic context (GRCh38, chr17:61,793,587, plus strand): 5'-CTGGATTTAGTCACGACTAAATCACTTCTAATTCACTAAATACGTTTCACAGGTAGAAAA[A>C]ATATCTTACCTGCAAAATGGGAAAAGTAGCAGTGGTGATACCCATTTTGTGTAAAGTTAA-3'